The following is an entry in ClinVar:

ClinVar aggregate classification (germline): Uncertain significance (1 of 4 stars; one submission).

Submission:

Labcorp Genetics (formerly Invitae), Labcorp
Classification: Uncertain significance. Last evaluated: 2022-12-02. Review status: criteria provided, single submitter. Criteria: Invitae Variant Classification Sherloc (09022015). Collection method: clinical testing. Allele origin: germline.
Comment: This variant is not present in population databases (gnomAD no frequency). This sequence change replaces arginine, which is basic and polar, with leucine, which is neutral and non-polar, at codon 596 of the PRPF3 protein (p.Arg596Leu). In summary, the available evidence is currently insufficient to determine the role of this variant in disease. Therefore, it has been classified as a Variant of Uncertain Significance. Advanced modeling of protein sequence and biophysical properties (such as structural, functional, and spatial information, amino acid conservation, physicochemical variation, residue mobility, and thermodynamic stability) performed at Invitae indicates that this missense variant is expected to disrupt PRPF3 protein function. ClinVar contains an entry for this variant (Variation ID: 1446627). This missense change has been observed in at least one individual who was not affected with PRPF3-related conditions (Invitae). This variant has not been reported in the literature in individuals affected with PRPF3-related conditions.

NM_004698.4(PRPF3):c.1787G>T (p.Arg596Leu)

Gene: PRPF3 (pre-mRNA processing factor 3; plus strand). Cytogenetic location: 1q21.2.
Variant type: single nucleotide variant.
Coding change: c.1787G>T on transcript NM_004698.4 (MANE Select); coding-DNA position 1787, G replaced by T.
Protein change: p.Arg596Leu; replaces arginine 596 with leucine.
Molecular consequence: missense variant. On other transcripts: non-coding transcript variant (4).
Genome position (GRCh38, 1-based): chr1:150,346,435, G>T. VCF-style: chr1-150346435-G-T. GRCh37 (hg19) VCF-style: chr1-150318911-G-T.
Other names: c.1382G>T, p.Arg461Leu (NM_001350529.1); short protein forms R596L, R461L.
Identifiers: ClinVar variation 1446627 (VCV001446627.6), dbSNP rs782155481, ClinGen allele CA342285191.